The following is an entry in ClinVar:

ClinVar aggregate classification (germline): Uncertain significance. Review status: criteria provided, multiple submitters, no conflicts (2 of 4 stars). 6 submissions from 6 submitters: Uncertain significance (6). Last evaluated 2025-07-24.

Conditions:
CDH1-related disorder. Also called: CDH1-related condition.
Hereditary cancer-predisposing syndrome. Also called: Hereditary Cancer Syndrome; Tumor predisposition; Hereditary neoplastic syndrome; Neoplastic Syndromes, Hereditary. Identifiers: Orphanet 140162, MedGen C0027672, MeSH D009386, MONDO:0015356.
Hereditary diffuse gastric adenocarcinoma (HDGC). Also called: DIFFUSE GASTRIC AND LOBULAR BREAST CANCER SYNDROME. Identifiers: Orphanet 26106, MedGen C1708349, MONDO:0007648, OMIM 137215.
Familial cancer of breast. Also called: Hereditary breast cancer; hereditary breast carcinoma; BREAST CANCER, FAMILIAL. Identifiers: Orphanet 227535, MedGen C0346153, MONDO:0016419, OMIM 114480. Disease mechanism: loss of function.

Allele frequency attached by ClinVar (database versions not stated): ExAC 0.00001; gnomAD exomes 0.00001.
gnomAD v4.1: 3 of 1,614,070 alleles (0.00019%); highest among the groups gnomAD compares: Admixed American, 0.005%; no homozygotes.

Submissions (6):

PreventionGenetics, part of Exact Sciences
Classification: Uncertain significance for CDH1-related condition. Last evaluated: 2025-07-24. Review status: criteria provided, single submitter. Criteria: ACMG Guidelines, 2015. Collection method: clinical testing. Allele origin: germline.
Comment: The CDH1 c.805G>A variant is predicted to result in the amino acid substitution p.Gly269Arg. To our knowledge, this variant has not been reported in the literature. This variant is reported in 0.0087% of alleles in individuals of Latino descent in gnomAD. This variant is classified as uncertain in ClinVar (Variation ID: 439473). At this time, the clinical significance of this variant is uncertain due to the absence of conclusive functional and genetic evidence.

Labcorp Genetics (formerly Invitae), Labcorp
Classification: Uncertain significance for Hereditary diffuse gastric adenocarcinoma. Last evaluated: 2025-07-07. Review status: criteria provided, single submitter. Criteria: Invitae Variant Classification Sherloc (09022015). Collection method: clinical testing. Allele origin: germline.
Comment: This sequence change replaces glycine, which is neutral and non-polar, with arginine, which is basic and polar, at codon 269 of the CDH1 protein (p.Gly269Arg). This variant is present in population databases (rs750979600, gnomAD 0.009%). This variant has not been reported in the literature in individuals affected with CDH1-related conditions. ClinVar contains an entry for this variant (Variation ID: 439473). An algorithm developed to predict the effect of missense changes on protein structure and function (PolyPhen-2) suggests that this variant is likely to be disruptive. Algorithms developed to predict the effect of sequence changes on RNA splicing suggest that this variant may create or strengthen a splice site. In summary, the available evidence is currently insufficient to determine the role of this variant in disease. Therefore, it has been classified as a Variant of Uncertain Significance.

Ambry Genetics
Classification: Uncertain significance for Hereditary cancer-predisposing syndrome. Last evaluated: 2025-03-11. Review status: criteria provided, single submitter. Criteria: Ambry Variant Classification Scheme 2023. Collection method: clinical testing. Allele origin: germline.
Comment: The p.G269R variant (also known as c.805G>A), located in coding exon 6 of the CDH1 gene, results from a G to A substitution at nucleotide position 805. The glycine at codon 269 is replaced by arginine, an amino acid with dissimilar properties. This amino acid position is highly conserved in available vertebrate species. In addition, this alteration is predicted to be deleterious by in silico analysis. Since supporting evidence is limited at this time, the clinical significance of this alteration remains unclear.

Color Diagnostics, LLC DBA Color Health
Classification: Uncertain significance for Hereditary cancer-predisposing syndrome. Last evaluated: 2023-12-05. Review status: criteria provided, single submitter. Criteria: ACMG Guidelines, 2015. Collection method: clinical testing. Allele origin: germline.
Comment: This missense variant replaces glycine with arginine at codon 269 of the CDH1 protein. To our knowledge, functional studies have not been reported for this variant. This variant has not been reported in individuals affected with CDH1-related disorders in the literature. This variant has been identified in 3/251440 chromosomes in the general population by the Genome Aggregation Database (gnomAD). The available evidence is insufficient to determine the role of this variant in disease conclusively. Therefore, this variant is classified as a Variant of Uncertain Significance.

Baylor Genetics
Classification: Uncertain significance for Familial cancer of breast. Last evaluated: 2023-09-06. Review status: criteria provided, single submitter. Criteria: ACMG Guidelines, 2015. Collection method: clinical testing. Allele origin: unknown.

ARUP Laboratories, Molecular Genetics and Genomics, ARUP Laboratories
Classification: Uncertain significance. Last evaluated: 2016-12-15. Review status: criteria provided, single submitter. Criteria: ARUP Molecular Germline Variant Investigation Process. Collection method: clinical testing. Allele origin: germline.

NM_004360.5(CDH1):c.805G>A (p.Gly269Arg)

Gene: CDH1 (cadherin 1; plus strand). Cytogenetic location: 16q22.1.
Variant type: single nucleotide variant.
Coding change: c.805G>A on transcript NM_004360.5 (MANE Select); coding-DNA position 805, G replaced by A.
Protein change: p.Gly269Arg; replaces glycine 269 with arginine.
Molecular consequence: missense variant. On other transcripts: 5 prime UTR variant (2).
Genome position (GRCh38, 1-based): chr16:68,810,314, G>A. VCF-style: chr16-68810314-G-A. GRCh37 (hg19) VCF-style: chr16-68844217-G-A.
Other names: c.805G>A (LRG_301t1); c.805G>A, p.Gly269Arg (NM_001317184.2); c.-811G>A (NM_001317185.2); c.-1015G>A (NM_001317186.2); short protein forms G269R.
Identifiers: ClinVar variation 439473 (VCV000439473.27), dbSNP rs750979600, ClinGen allele CA8129934.
Genomic context (GRCh38, chr16:68,810,314, plus strand): 5'-TTGATCACGGTAACCGATCAGAATGACAACAAGCCCGAATTCACCCAGGAGGTCTTTAAG[G>A]GGTCTGTCATGGAAGGTGCTCTTCCAGGTATATCCACTAATGAGAATCTGAATACTCAGA-3'
Protein context (NP_004351.1, residues 259-279): KPEFTQEVFK[Gly269Arg]SVMEGALPGT